The following is an entry in ClinVar:

ClinVar aggregate classification (germline): Likely benign. Review status: criteria provided, single submitter (1 of 4 stars). 2 submissions from 2 submitters: Likely benign (1). 1 of the submissions does not count toward it. Last evaluated 2025-09-22.

Conditions:
IFNAR2-related disorder. Also called: IFNAR2-related condition.

Allele frequency attached by ClinVar (database versions not stated): ExAC 0.00007; gnomAD 0.00009 and 0.00011; gnomAD exomes 0.00009 and 0.00011; TOPMed 0.00011; ESP Exome Variant Server 0.00015; 1000 Genomes Project 30x 0.00062; 1000 Genomes Project 0.00080.
gnomAD v4.1: 166 of 1,614,134 alleles (0.01%); highest among the groups gnomAD compares: African/African-American, 0.024%; no homozygotes.

Submissions (2):

Labcorp Genetics (formerly Invitae), Labcorp
Classification: Likely benign. Last evaluated: 2025-09-22. Review status: criteria provided, single submitter. Criteria: Invitae Variant Classification Sherloc (09022015). Collection method: clinical testing. Allele origin: germline.

PreventionGenetics, part of Exact Sciences
Classification: Likely benign for IFNAR2-related condition. Last evaluated: 2019-04-10. Review status: no assertion criteria provided. Collection method: clinical testing. Allele origin: germline. Not counted in ClinVar's aggregate classification.
Comment: This variant is classified as likely benign based on ACMG/AMP sequence variant interpretation guidelines (Richards et al. 2015 PMID: 25741868, with internal and published modifications).

NM_001289125.3(IFNAR2):c.1221C>T (p.Pro407=)

Genes: IFNAR2 (interferon alpha and beta receptor subunit 2; plus strand), IFNAR2-IL10RB (IFNAR2-IL10RB readthrough; plus strand). Cytogenetic location: 21q22.11.
Variant type: single nucleotide variant.
Coding change: c.1221C>T on transcript NM_001289125.3 (MANE Select); coding-DNA position 1221, C replaced by T.
Protein change: p.Pro407=; no amino-acid change (proline 407 retained).
Molecular consequence: synonymous variant. On other transcripts: 3 prime UTR variant (5).
Genome position (GRCh38, 1-based): chr21:33,263,173, C>T. VCF-style: chr21-33263173-C-T. GRCh37 (hg19) VCF-style: chr21-34635478-C-T.
Other names: c.*457C>T (NM_000874.5, NM_207584.3); c.*370C>T (NM_001289126.2, NM_001289128.2); c.*596C>T (NM_001385054.1); c.1221C>T, p.Pro407= (NM_001385055.1, NM_207585.3); c.1221C>T (NM_207585.2).
Identifiers: ClinVar variation 1593239 (VCV001593239.10), dbSNP rs145095223, ClinGen allele CA10005940.
Genomic context (GRCh38, chr21:33,263,173, plus strand): 5'-GTTGGAACTCTTGAGTGGGCCCTGTGAGAGGAGAAAGAGTCCACTCCAGGACCCTTTTCC[C>T]GAAGAGGACTACAGCTCCACGGAGGGGTCTGGGGGCAGAATTACCTTCAATGTGGACTTA-3'
Protein context (NP_001276054.1, residues 397-417): RRKSPLQDPF[Pro407=]EEDYSSTEGS